The following is an entry in ClinVar:

ClinVar aggregate classification (germline): Pathogenic (1 of 4 stars; one submission).

Conditions:
Duchenne muscular dystrophy (DMD). Also called: MUSCULAR DYSTROPHY, PSEUDOHYPERTROPHIC PROGRESSIVE, DUCHENNE TYPE; Duchenne Muscular Dystrophy (DMD). Identifiers: Orphanet 98896, MedGen C0013264, MONDO:0010679, OMIM 310200.

Submission:

Labcorp Genetics (formerly Invitae), Labcorp
Classification: Pathogenic for Duchenne muscular dystrophy. Last evaluated: 2025-09-15. Review status: criteria provided, single submitter. Criteria: Invitae Variant Classification Sherloc (09022015). Collection method: clinical testing. Allele origin: germline.
Comment: This sequence change creates a premature translational stop signal (p.Gln2440*) in the DMD gene. It is expected to result in an absent or disrupted protein product. Loss-of-function variants in DMD are known to be pathogenic (PMID: 16770791, 25007885). This variant is not present in population databases (gnomAD no frequency). This premature translational stop signal has been observed in individual(s) with muscular dystrophy (PMID: 28937030). For these reasons, this variant has been classified as Pathogenic.

Literature cited by the submitters: PubMed 16770791; PubMed 25007885; PubMed 28937030.

NM_004006.3(DMD):c.7318C>T (p.Gln2440Ter)

Gene: DMD (dystrophin; minus strand). Cytogenetic location: Xp21.1.
Variant type: single nucleotide variant.
Coding change: c.7318C>T on transcript NM_004006.3 (MANE Select); coding-DNA position 7318, C replaced by T.
Protein change: p.Gln2440Ter; replaces glutamine 2440 with a stop codon.
Molecular consequence: nonsense. On other transcripts: 5 prime UTR variant (5).
Genome position (GRCh38, 1-based): chrX:31,774,184, G>A on the plus strand (C>T on the coding strand, the complement: DMD is on the minus strand). VCF-style: chrX-31774184-G-A. GRCh37 (hg19) VCF-style: chrX-31792301-G-A.
Other names: c.7294C>T, p.Gln2432Ter (NM_000109.4); c.7306C>T, p.Gln2436Ter (NM_004009.3); c.6949C>T, p.Gln2317Ter (NM_004010.3); c.3295C>T, p.Gln1099Ter (NM_004011.4); c.3286C>T, p.Gln1096Ter (NM_004012.4); c.-63C>T (NM_004013.3, NM_004020.4, NM_004021.3 and 2 more transcripts); short protein forms Q1096*, Q1099*, Q2317*, Q2432*, Q2436*, Q2440*.
Identifiers: ClinVar variation 4737668 (VCV004737668.1), dbSNP rs2149245623.
Genomic context (GRCh38, chrX:31,774,184, plus strand): 5'-CTAGTTTGGAGATGGCAGTTTCCTTAGTAACCACAGGTTGTGTCACCAGAGTAACAGTCT[G>A]AGTAGGAGCTAAAATATTTTGGGTTTTTGCAAAAAGGAAAAAAGAAGAAAAAGAAAAATT-3'